The following is an entry in ClinVar:

NM_004187.5(KDM5C):c.1178C>T (p.Thr393Ile)

Gene: KDM5C (lysine demethylase 5C; minus strand). Cytogenetic location: Xp11.22.
Variant type: single nucleotide variant.
Coding change: c.1178C>T on transcript NM_004187.5 (MANE Select); coding-DNA position 1178, C replaced by T.
Protein change: p.Thr393Ile; replaces threonine 393 with isoleucine.
Molecular consequence: missense variant. On other transcripts: non-coding transcript variant (3).
Genome position (GRCh38, 1-based): chrX:53,211,851, G>A on the plus strand (C>T on the coding strand, the complement: KDM5C is on the minus strand). VCF-style: chrX-53211851-G-A. GRCh37 (hg19) VCF-style: chrX-53241033-G-A.
Other names: c.977C>T, p.Thr326Ile (NM_001146702.2); c.1175C>T, p.Thr392Ile (NM_001282622.3, NM_001353979.2, NM_001353982.2); c.1178C>T, p.Thr393Ile (NM_001353978.3, NM_001353981.2, NM_001353984.2); short protein forms T326I, T392I, T393I.
Identifiers: ClinVar variation 3377320 (VCV003377320.1).

ClinVar aggregate classification (germline): Likely pathogenic (1 of 4 stars; one submission).

Conditions:
Intellectual developmental disorder, X-linked, syndromic, Claes-Jensen type. Also called: INTELLECTUAL DEVELOPMENTAL DISORDER, X-LINKED, SYNDROMIC 16; MENTAL RETARDATION, X-LINKED, SYNDROMIC 16; Syndromic X-linked intellectual disability Claes-Jensen type. Identifiers: Orphanet 85279, MedGen C1845243, MONDO:0010355, OMIM 300534.

Submission:

Victorian Clinical Genetics Services, Murdoch Childrens Research Institute
Classification: Likely pathogenic for Intellectual developmental disorder, X-linked, syndromic, Claes-Jensen type. Last evaluated: 2024-09-20. Review status: criteria provided, single submitter. Criteria: ACMG Guidelines, 2015. Collection method: clinical testing. Allele origin: germline. Inheritance: X-linked recessive inheritance. Affected: yes.
Comment: Based on the classification scheme VCGS_Germline_v1.3.4, this variant is classified as Likely pathogenic. Following criteria are met: 0102 - Loss of function is a known mechanism of disease in this gene and is associated with intellectual developmental disorder, X-linked syndromic, Claes-Jensen type (MIM#300534). (I) 0109 - This gene is associated with X-linked recessive disease. However, mildly affected heterozygous females have been reported (OMIM). (I) 0115 - Variants in this gene are known to have variable expressivity, where intrafamilial and interfamillial variability have been reported (PMID: 16541399). (I) 0200 - Variant is predicted to result in a missense amino acid change from threonine to isoleucine. (I) 0253 - This variant is hemizygous. (I) 0301 - Variant is absent from gnomAD (both v2 and v3). (SP) 0502 - Missense variant with conflicting in silico predictions and uninformative conservation. (I) 0603 - Missense variant in a region that is highly intolerant to missense variation (high constraint region in DECIPHER). (SP) 0705 - No comparable missense variants have previous evidence for pathogenicity. (I) 0807 - This variant has no previous evidence of pathogenicity. (I) 0905 - No published segregation evidence has been identified for this variant. (I) 1007 - No published functional evidence has been identified for this variant. (SP) Legend: (SP) - Supporting pathogenic, (I) - Information, (SB) - Supporting benign

Literature cited by the submitters: PubMed 16541399.